The following is an entry in ClinVar:

ClinVar aggregate classification (germline): Uncertain significance (1 of 4 stars; one submission).

Conditions:
CLCN5-related disorder. Also called: CLCN5-related condition.

gnomAD v4.1: 3 of 1,155,219 alleles (0.00026%); highest among the groups gnomAD compares: Non-Finnish European, 0.00035%; no homozygotes.

Submission:

PreventionGenetics, part of Exact Sciences
Classification: Uncertain significance for CLCN5-related condition. Last evaluated: 2025-07-03. Review status: criteria provided, single submitter. Criteria: ACMG Guidelines, 2015. Collection method: clinical testing. Allele origin: germline.
Comment: The CLCN5 c.22A>G variant is predicted to result in the amino acid substitution p.Met8Val. Of note, this variant can also be referred to as c.-25533A>G (pre-coding) with the more commonly reported isoform, NM_000084. To our knowledge, this variant has not been reported in the literature or in a large population database (gnomAD), indicating this variant is rare. At this time, the clinical significance of this variant is uncertain due to the absence of conclusive functional and genetic evidence.

NM_001127898.4(CLCN5):c.22A>G (p.Met8Val)

Gene: CLCN5 (Cl-/H+ antiporter 5; plus strand). Cytogenetic location: Xp11.23.
Variant type: single nucleotide variant.
Coding change: c.22A>G on transcript NM_001127898.4 (MANE Select); coding-DNA position 22, A replaced by G.
Protein change: p.Met8Val; replaces methionine 8 with valine.
Molecular consequence: missense variant. On other transcripts: non-coding transcript variant (1).
Genome position (GRCh38, 1-based): chrX:50,042,321, A>G. VCF-style: chrX-50042321-A-G. GRCh37 (hg19) VCF-style: chrX-49806930-A-G.
Other names: c.22A>G, p.Met8Val (NM_001127899.4, NM_001272102.2, NM_001440756.1 and 1 more transcripts); short protein forms M8V.
Identifiers: ClinVar variation 4985962 (VCV004985962.1).
Genomic context (GRCh38, chrX:50,042,321, plus strand): 5'-GTGTAAGGGACTTGAAGATCATTGTTATAAGCCTCCTATTTTTCTTTCTGCACAGGTGCC[A>G]TGGATAACAGAGGCTTTCAGCAGGGGAGTTTTAGTAGCTTCCAGAACAGCTCCAGTGATG-3'
Protein context (NP_001121370.1, residues 1-18): MAMWQGA[Met8Val]DNRGFQQGSF